The following is an entry in ClinVar:

ClinVar aggregate classification (germline): Uncertain significance (1 of 4 stars; one submission).

Submission:

GeneDx
Classification: Uncertain significance. Last evaluated: 2026-08-10. Review status: criteria provided, single submitter. Criteria: GeneDx Variant Classification Process June 2021. Collection method: clinical testing. Allele origin: germline.
Comment: Not observed at significant frequency in large population cohorts (gnomAD); In silico analysis supports that this missense variant has a deleterious effect on protein structure/function; Has not been previously published as pathogenic or benign to our knowledge

NM_001272071.2(AP1S2):c.283G>A (p.Gly95Ser)

Gene: AP1S2 (adaptor related protein complex 1 subunit sigma 2; minus strand). Cytogenetic location: Xp22.2.
Variant type: single nucleotide variant.
Coding change: c.283G>A on transcript NM_001272071.2 (MANE Select); coding-DNA position 283, G replaced by A.
Protein change: p.Gly95Ser; replaces glycine 95 with serine.
Molecular consequence: missense variant. On other transcripts: non-coding transcript variant (2).
Genome position (GRCh38, 1-based): chrX:15,845,908, C>T on the plus strand (G>A on the coding strand, the complement: AP1S2 is on the minus strand). VCF-style: chrX-15845908-C-T. GRCh37 (hg19) VCF-style: chrX-15864031-C-T.
Other names: c.283G>A, p.Gly95Ser (NM_001368994.1, NM_001369007.1, NM_001369008.1 and 1 more transcripts); short protein forms G95S.
Identifiers: ClinVar variation 3903089 (VCV003903089.2).